The following is an entry in ClinVar:

ClinVar aggregate classification (germline): Likely benign (1 of 4 stars; one submission).

Allele frequency attached by ClinVar (database versions not stated): gnomAD 0.00007; ExAC 0.00071.

Submission:

CeGaT Center for Human Genetics Tuebingen
Classification: Likely benign. Last evaluated: 2023-09-01. Review status: criteria provided, single submitter. Criteria: CeGaT Center For Human Genetics Tuebingen Variant Classification Criteria Version 2. Collection method: clinical testing. Allele origin: germline. Affected: yes. Observed: 1 variant allele.
Comment: NBPF1: BS2

NM_001405666.3(NBPF1):c.991T>A (p.Tyr331Asn)

Gene: NBPF1 (NBPF member 1). Cytogenetic location: 1p36.13.
Variant type: single nucleotide variant.
Coding change: c.991T>A on transcript NM_001405666.3 (MANE Select); coding-DNA position 991, T replaced by A.
Protein change: p.Tyr331Asn; replaces tyrosine 331 with asparagine.
Molecular consequence: missense variant.
Genome position (GRCh38, 1-based): chr1:16,583,694, A>T on the plus strand (T>A on the coding strand, the complement: NBPF1 is on the minus strand). VCF-style: chr1-16583694-A-T. GRCh37 (hg19) VCF-style: chr1-16910189-A-T.
Other names: c.991T>A, p.Tyr331Asn (NM_001405667.2, NM_001405668.2, NM_001405669.2 and 27 more transcripts); c.673T>A, p.Tyr225Asn (NM_001405699.2); c.178T>A, p.Tyr60Asn (NM_001405701.2); short protein forms Y225N, Y331N, Y60N.
Identifiers: ClinVar variation 2638364 (VCV002638364.23), dbSNP rs745730223, ClinGen allele CA630357.